The following is an entry in ClinVar:

ClinVar aggregate classification (germline): Uncertain significance. Review status: criteria provided, multiple submitters, no conflicts (2 of 4 stars). 2 submissions from 2 submitters: Uncertain significance (2). Last evaluated 2025-07-10.

Conditions:
Hereditary nonpolyposis colorectal neoplasms. Identifiers: MedGen C0009405, MeSH D003123.
Hereditary cancer-predisposing syndrome. Also called: Tumor predisposition; Neoplastic Syndromes, Hereditary; Hereditary neoplastic syndrome; Hereditary Cancer Syndrome. Identifiers: Orphanet 140162, MedGen C0027672, MeSH D009386, MONDO:0015356.

Submissions (2):

Labcorp Genetics (formerly Invitae), Labcorp
Classification: Uncertain significance for Hereditary nonpolyposis colorectal neoplasms. Last evaluated: 2025-07-10. Review status: criteria provided, single submitter. Criteria: Invitae Variant Classification Sherloc (09022015). Collection method: clinical testing. Allele origin: germline.
Comment: This sequence change replaces glutamic acid, which is acidic and polar, with glycine, which is neutral and non-polar, at codon 422 of the PMS2 protein (p.Glu422Gly). This variant is not present in population databases (gnomAD no frequency). This variant has not been reported in the literature in individuals affected with PMS2-related conditions. ClinVar contains an entry for this variant (Variation ID: 630773). Invitae Evidence Modeling incorporating data from in vitro experimental studies (internal data) indicates that this missense variant is not expected to disrupt PMS2 function with a negative predictive value of 95%. In summary, the available evidence is currently insufficient to determine the role of this variant in disease. Therefore, it has been classified as a Variant of Uncertain Significance.

Color Diagnostics, LLC DBA Color Health
Classification: Uncertain significance for Hereditary cancer-predisposing syndrome. Last evaluated: 2023-12-05. Review status: criteria provided, single submitter. Criteria: ACMG Guidelines, 2015. Collection method: clinical testing. Allele origin: germline.
Comment: This missense variant replaces glutamic acid with glycine at codon 422 of the PMS2 protein. Computational prediction suggests that this variant may not impact protein structure and function (internally defined REVEL score threshold <= 0.5, PMID: 27666373). To our knowledge, functional studies have not been reported for this variant. This variant has not been reported in individuals affected with PMS2-related disorders in the literature. This variant has not been identified in the general population by the Genome Aggregation Database (gnomAD). The available evidence is insufficient to determine the role of this variant in disease conclusively. Therefore, this variant is classified as a Variant of Uncertain Significance.

NM_000535.7(PMS2):c.1265A>G (p.Glu422Gly)

Gene: PMS2 (PMS1 homolog 2, mismatch repair system component; minus strand). Cytogenetic location: 7p22.1.
Variant type: single nucleotide variant.
Coding change: c.1265A>G on transcript NM_000535.7 (MANE Select); coding-DNA position 1265, A replaced by G.
Protein change: p.Glu422Gly; replaces glutamic acid 422 with glycine.
Molecular consequence: missense variant. On other transcripts: non-coding transcript variant (1).
Genome position (GRCh38, 1-based): chr7:5,987,500, T>C on the plus strand (A>G on the coding strand, the complement: PMS2 is on the minus strand). VCF-style: chr7-5987500-T-C. GRCh37 (hg19) VCF-style: chr7-6027131-T-C.
Other names: c.860A>G, p.Glu287Gly (NM_001322003.2, NM_001322004.2, NM_001322005.2 and 1 more transcripts); c.1109A>G, p.Glu370Gly (NM_001322006.2); c.947A>G, p.Glu316Gly (NM_001322007.2, NM_001322008.2); c.704A>G, p.Glu235Gly (NM_001322010.2); c.332A>G, p.Glu111Gly (NM_001322011.2, NM_001322012.2); c.692A>G, p.Glu231Gly (NM_001322013.2); c.1265A>G, p.Glu422Gly (NM_001322014.2); c.956A>G, p.Glu319Gly (NM_001322015.2); short protein forms E422G, E287G, E319G, E111G, E231G, E316G, E235G, E370G.
Identifiers: ClinVar variation 630773 (VCV000630773.13), dbSNP rs1562635355, ClinGen allele CA366742454.
Genomic context (GRCh38, chr7:5,987,500, plus strand): 5'-GGTTCTGGAGTCTTTGGGCTGTGAGGCTTGTTCTCTGTTGTGTGACGAAGAGAAAAGGCC[T>C]CTCGCAGTCTGGAAATGGACACGTCTTTTTTTTCTTCTCCAGTCCTTAATGAAGGGGATT-3'
Protein context (NP_000526.2, residues 412-432): KKDVSISRLR[Glu422Gly]AFSLRHTTEN